The following is an entry in ClinVar:

NM_001365276.2(TNXB):c.4951G>A (p.Gly1651Arg)

Gene: TNXB (tenascin XB; minus strand). Cytogenetic location: 6p21.33.
Variant type: single nucleotide variant.
Coding change: c.4951G>A on transcript NM_001365276.2 (MANE Select); coding-DNA position 4951, G replaced by A.
Protein change: p.Gly1651Arg; replaces glycine 1651 with arginine.
Molecular consequence: missense variant.
Genome position (GRCh38, 1-based): chr6:32,072,029, C>T on the plus strand (G>A on the coding strand, the complement: TNXB is on the minus strand). VCF-style: chr6-32072029-C-T. GRCh37 (hg19) VCF-style: chr6-32039806-C-T.
Other names: c.4951G>A, p.Gly1651Arg (NM_019105.8); short protein forms G1651R.
Identifiers: ClinVar variation 1305926 (VCV001305926.3), dbSNP rs963344266, ClinGen allele CA136889835.

ClinVar aggregate classification (germline): Uncertain significance. Review status: criteria provided, multiple submitters, no conflicts (2 of 4 stars). 2 submissions from 2 submitters: Uncertain significance (2). Last evaluated 2025-04-11.

Conditions:
Cardiovascular phenotype. Identifiers: MedGen CN230736.

Allele frequency attached by ClinVar (database versions not stated): gnomAD exomes 0.00001; TOPMed 0.00011; gnomAD 0.00009.
gnomAD v4.1: 24 of 1,608,390 alleles (0.0015%); highest among the groups gnomAD compares: African/African-American, 0.029%; no homozygotes.

Submissions (2):

Ambry Genetics
Classification: Uncertain significance for Cardiovascular phenotype. Last evaluated: 2025-04-11. Review status: criteria provided, single submitter. Criteria: Ambry Variant Classification Scheme 2023. Collection method: clinical testing. Allele origin: germline.
Comment: The p.G1651R variant (also known as c.4951G>A), located in coding exon 12 of the TNXB gene, results from a G to A substitution at nucleotide position 4951. The glycine at codon 1651 is replaced by arginine, an amino acid with dissimilar properties. This amino acid position is well conserved in available vertebrate species. In addition, this alteration is predicted to be tolerated by in silico analysis. Based on the available evidence, the clinical significance of this variant remains unclear.

GeneDx
Classification: Uncertain significance. Last evaluated: 2022-11-14. Review status: criteria provided, single submitter. Criteria: GeneDx Variant Classification Process June 2021. Collection method: clinical testing. Allele origin: germline. Affected: yes.
Comment: Has not been previously published as pathogenic or benign to our knowledge; Not observed at significant frequency in large population cohorts (gnomAD); In silico analysis supports that this missense variant has a deleterious effect on protein structure/function